The following is an entry in ClinVar:

ClinVar aggregate classification (germline): Likely benign. Review status: criteria provided, multiple submitters, no conflicts (2 of 4 stars). 2 submissions from 2 submitters: Likely benign (2). Last evaluated 2024-02-20.

Allele frequency attached by ClinVar (database versions not stated): gnomAD below 0.00001 and 0.00001; gnomAD exomes 0.00001; TOPMed 0.00002.
gnomAD v4.1: 13 of 1,613,788 alleles (0.00081%); highest among the groups gnomAD compares: African/African-American, 0.004%; no homozygotes.

Submissions (2):

Labcorp Genetics (formerly Invitae), Labcorp
Classification: Likely benign. Last evaluated: 2024-02-20. Review status: criteria provided, single submitter. Criteria: Invitae Variant Classification Sherloc (09022015). Collection method: clinical testing. Allele origin: germline.

Laboratory for Molecular Medicine, Mass General Brigham Personalized Medicine
Classification: Likely benign. Last evaluated: 2017-04-14. Review status: criteria provided, single submitter. Criteria: LMM Criteria. Collection method: clinical testing. Allele origin: germline. Observed: 1 variant allele.
Comment: p.Ala897Ala in exon 24 of CDH23: This variant is not expected to have clinical s ignificance because it does not alter an amino acid residue and is not located w ithin the splice consensus sequence. It has been identified in 1/30782 South Asi an chromosomes and 1/15286 African chromosomes by the genome Aggregation Databas e (gnomAD).

NM_022124.6(CDH23):c.2691C>T (p.Ala897=)

Gene: CDH23 (cadherin related 23; plus strand). Cytogenetic location: 10q22.1.
Variant type: single nucleotide variant.
Coding change: c.2691C>T on transcript NM_022124.6 (MANE Select); coding-DNA position 2691, C replaced by T.
Protein change: p.Ala897=; no amino-acid change (alanine 897 retained).
Molecular consequence: synonymous variant.
Genome position (GRCh38, 1-based): chr10:71,702,652, C>T. VCF-style: chr10-71702652-C-T. GRCh37 (hg19) VCF-style: chr10-73462409-C-T.
Other names: c.2691C>T, p.Ala897= (NM_001171930.2, NM_001171931.2).
Identifiers: ClinVar variation 517326 (VCV000517326.12), dbSNP rs1452389958, ClinGen allele CA470061335.